The following is an entry in ClinVar:

ClinVar aggregate classification (germline): Likely pathogenic (1 of 4 stars; one submission).

Conditions:
Breast-ovarian cancer, familial, susceptibility to, 1 (BROVCA1). Also called: BRCA1 Hereditary Breast and Ovarian Cancer; OVARIAN CANCER, SUSCEPTIBILITY TO. Identifiers: Orphanet 145, MedGen C2676676, MONDO:0011450, OMIM 604370. Disease mechanism: loss of function.

Submission:

Institute of Human Genetics, University of Leipzig Medical Center
Classification: Likely pathogenic for Breast-ovarian cancer, familial, susceptibility to, 1. Last evaluated: 2023-03-13. Review status: criteria provided, single submitter. Criteria: ACMG Guidelines, 2015. Collection method: clinical testing. Allele origin: unknown. Affected: yes.
Comment: _x000D_ Criteria applied: PVS1, PM2_SUP

NM_000059.4(BRCA2):c.4361_4368delinsTCAGAT (p.Pro1454fs)

Gene: BRCA2 (BRCA2 DNA repair associated; plus strand). Cytogenetic location: 13q13.1.
Variant type: Indel.
Coding change: c.4361_4368delinsTCAGAT on transcript NM_000059.4 (MANE Select); coding-DNA positions 4361 to 4368, CAGAAGAA replaced by TCAGAT.
Protein change: p.Pro1454fs; shifts the reading frame from proline 1454.
Molecular consequence: frameshift variant. On other transcripts: non-coding transcript variant (1), intron variant (2).
Genome position (GRCh38, 1-based): chr13:32,338,716-32,338,723, CAGAAGAA replaced by TCAGAT. VCF-style: chr13-32338716-CAGAAGAA-TCAGAT. GRCh37 (hg19) VCF-style: chr13-32912853-CAGAAGAA-TCAGAT.
Other names: c.4361_4368delinsTCAGAT, p.Pro1454fs (NM_001406719.1, NM_001406720.1); c.1909+5329_1909+5336delinsTCAGAT (NM_001406721.1); c.425-5842_425-5835delinsTCAGAT (NM_001406722.1); short protein forms P1454fs.
Identifiers: ClinVar variation 2500298 (VCV002500298.1), dbSNP rs2548528199, ClinGen allele CA2580087277.
Genomic context (GRCh38, chr13:32,338,716, plus strand): 5'-AAAATATTAGTGTCGCCAAAGAGTCATTTAATAAAATTGTAAATTTCTTTGATCAGAAAC[CAGAAGAA>TCAGAT]TTGCATAACTTTTCCTTAAATTCTGAATTACATTCTGACATAAGAAAGAACAAAATGGAC-3'